The following is an entry in ClinVar:

NM_000138.5(FBN1):c.1754G>A (p.Gly585Glu)

Gene: FBN1 (fibrillin 1; minus strand). Cytogenetic location: 15q21.1.
Variant type: single nucleotide variant.
Coding change: c.1754G>A on transcript NM_000138.5 (MANE Select); coding-DNA position 1754, G replaced by A.
Protein change: p.Gly585Glu; replaces glycine 585 with glutamic acid.
Molecular consequence: missense variant.
Genome position (GRCh38, 1-based): chr15:48,508,665, C>T on the plus strand (G>A on the coding strand, the complement: FBN1 is on the minus strand). VCF-style: chr15-48508665-C-T. GRCh37 (hg19) VCF-style: chr15-48800862-C-T.
Other names: short protein forms G585E.
Identifiers: ClinVar variation 549039 (VCV000549039.4), dbSNP rs1060501041, ClinGen allele CA392340502.
Genomic context (GRCh38, chr15:48,508,665, plus strand): 5'-GCCAGCTGGAATCCAGGTTTGCAAATACATTTAAAACTGCCATCTTCATTGATACACATT[C>T]CATTAAGGCACATGTTCCTTATGCTGCATTCATCCATATCTGAAAATACAAAACATACAT-3'
Protein context (NP_000129.3, residues 575-595): ECSIRNMCLN[Gly585Glu]MCINEDGSFK

ClinVar aggregate classification (germline): Likely pathogenic. Review status: criteria provided, multiple submitters, no conflicts (2 of 4 stars). 3 submissions from 3 submitters: Likely pathogenic (2). 1 of the submissions does not count toward it. Last evaluated 2022-05-04.

Conditions:
Familial thoracic aortic aneurysm and aortic dissection (TAAD). Also called: Thoracic aortic aneurysms and dissections. Identifiers: Orphanet 91387, MedGen C4707243, MONDO:0019625.
Acromicric dysplasia (ACMICD). Also called: Acromicric skeletal dysplasia. Identifiers: Orphanet 969, MedGen C0265287, MONDO:0007055, OMIM 102370.
Marfan syndrome (MFS). Also called: Marfan syndrome type 1; Marfan syndrome, classic; Marfan's syndrome; FBN1-Related Marfan Syndrome; MARFAN SYNDROME, TYPE I. Identifiers: Orphanet 284963, Orphanet 558, MedGen C0024796, MONDO:0007947, OMIM 154700.

Submissions (3):

Mendelics
Classification: Likely pathogenic for Acromicric dysplasia. Last evaluated: 2022-05-04. Review status: criteria provided, single submitter. Criteria: Mendelics Assertion Criteria 2019. Collection method: clinical testing. Allele origin: germline.

Ambry Genetics
Classification: Likely pathogenic for Familial thoracic aortic aneurysm and aortic dissection. Last evaluated: 2019-05-01. Review status: criteria provided, single submitter. Criteria: Ambry Variant Classification Scheme 2023. Collection method: clinical testing. Allele origin: germline.
Comment: The p.G585E variant (also known as c.1754G>A), located in coding exon 14 of the FBN1 gene, results from a G to A substitution at nucleotide position 1754. The glycine at codon 585 is replaced by glutamic acid, an amino acid with similar properties, and is located in the cb EGF-like #05 domain. This alteration has been detected in several individuals with suspected or classic Marfan syndrome (Baumgartner C et al. Methods Inf Med, 2005;44:487-97; Ambry internal data). Based on internal structural assessment, this alteration disrupts a structural motif that is highly conserved in EGF domains (Khau Van Kien P et al. Hum. Mutat., 2010 Jan;31:E1021-42; Ambry internal data). This amino acid position is highly conserved in available vertebrate species. In addition, this alteration is predicted to be deleterious by in silico analysis. Based on the majority of available evidence to date, this variant is likely to be pathogenic.

Center for Medical Genetics Ghent, University of Ghent
Classification: Likely pathogenic for Marfan syndrome. Last evaluated: 2017-11-07. Review status: no assertion criteria provided. Collection method: clinical testing. Allele origin: germline. Affected: yes. Not counted in ClinVar's aggregate classification.

Literature cited by the submitters: PubMed 16342915 (cited by Ambry Genetics); PubMed 19802897 (cited by Ambry Genetics).